The following is an entry in ClinVar:

ClinVar aggregate classification (germline): Uncertain significance (1 of 4 stars; one submission).

Conditions:
PKD2-related disorder. Also called: PKD2-related condition.

Submission:

PreventionGenetics, part of Exact Sciences
Classification: Uncertain significance for PKD2-related condition. Last evaluated: 2026-05-29. Review status: criteria provided, single submitter. Criteria: ACMG Guidelines, 2015. Collection method: clinical testing. Allele origin: germline.
Comment: The PKD2 c.970C>T variant is predicted to result in the amino acid substitution p.Leu324Phe. To our knowledge, this variant has not been reported in the literature or in a large population database (gnomAD), indicating this variant is rare. At this time, the clinical significance of this variant is uncertain due to the absence of conclusive functional and genetic evidence.

NM_000297.4(PKD2):c.970C>T (p.Leu324Phe)

Gene: PKD2 (polycystin 2, transient receptor potential cation channel; plus strand). Cytogenetic location: 4q22.1.
Variant type: single nucleotide variant.
Coding change: c.970C>T on transcript NM_000297.4 (MANE Select); coding-DNA position 970, C replaced by T.
Protein change: p.Leu324Phe; replaces leucine 324 with phenylalanine.
Molecular consequence: missense variant. On other transcripts: non-coding transcript variant (1).
Genome position (GRCh38, 1-based): chr4:88,038,377, C>T. VCF-style: chr4-88038377-C-T. GRCh37 (hg19) VCF-style: chr4-88959529-C-T.
Other names: c.970C>T, p.Leu324Phe (NM_001440544.1); short protein forms L324F.
Identifiers: ClinVar variation 4991502 (VCV004991502.1).